The following is an entry in ClinVar:

ClinVar aggregate classification (germline): Uncertain significance (1 of 4 stars; one submission).

Conditions:
Cardiovascular phenotype. Identifiers: MedGen CN230736.

Allele frequency attached by ClinVar (database versions not stated): gnomAD exomes below 0.00001.
gnomAD v4.1: 1 of 1,493,108 alleles (0.000067%); highest among the groups gnomAD compares: Admixed American, 0.0022%; no homozygotes.

Submission:

Ambry Genetics
Classification: Uncertain significance for Cardiovascular phenotype. Last evaluated: 2020-03-17. Review status: criteria provided, single submitter. Criteria: Ambry Variant Classification Scheme 2023. Collection method: clinical testing. Allele origin: germline.
Comment: The p.E142K variant (also known as c.424G>A), located in coding exon 1 of the FKRP gene, results from a G to A substitution at nucleotide position 424. The glutamic acid at codon 142 is replaced by lysine, an amino acid with similar properties. This amino acid position is not well conserved in available vertebrate species, and lysine is the reference amino acid in other vertebrate species. In addition, the in silico prediction for this alteration is inconclusive. Since supporting evidence is limited at this time, the clinical significance of this alteration remains unclear.

NM_024301.5(FKRP):c.424G>A (p.Glu142Lys)

Gene: FKRP (fukutin related protein; plus strand). Cytogenetic location: 19q13.32.
Variant type: single nucleotide variant.
Coding change: c.424G>A on transcript NM_024301.5 (MANE Select); coding-DNA position 424, G replaced by A.
Protein change: p.Glu142Lys; replaces glutamic acid 142 with lysine.
Molecular consequence: missense variant.
Genome position (GRCh38, 1-based): chr19:46,755,874, G>A. VCF-style: chr19-46755874-G-A. GRCh37 (hg19) VCF-style: chr19-47259131-G-A.
Other names: c.424G>A, p.Glu142Lys (NM_001039885.3); short protein forms E142K.
Identifiers: ClinVar variation 1739072 (VCV001739072.2), dbSNP rs1273239768, ClinGen allele CA406495295.